The following is an entry in ClinVar:

NM_001256071.3(RNF213):c.1756-3C>T

Gene: RNF213 (ring finger protein 213; plus strand). Cytogenetic location: 17q25.3.
Variant type: single nucleotide variant.
Coding change: c.1756-3C>T on transcript NM_001256071.3 (MANE Select); 3 bases into the intron before coding-DNA position 1756, C replaced by T.
Molecular consequence: intron variant.
Genome position (GRCh38, 1-based): chr17:80,295,554, C>T. VCF-style: chr17-80295554-C-T. GRCh37 (hg19) VCF-style: chr17-78269354-C-T.
Other names: c.1903-3C>T (NM_001410195.1, NM_020914.5); c.1756-3C>T (NM_020954.4).
Identifiers: ClinVar variation 4281478 (VCV004281478.7).
Genomic context (GRCh38, chr17:80,295,554, plus strand): 5'-TCTGGACACTGCCGGTGAATTCAAGTCCATGGTTCATGCATCTTCCTCTTCTCCCACCAT[C>T]AGGTGAAGAGATACCTGTGGCAACATCTGAAAAAACACGTGGTACCATTGCCGGACGGAA-3'

ClinVar aggregate classification (germline): Uncertain significance (1 of 4 stars; one submission).

Submission:

CeGaT Center for Human Genetics Tuebingen
Classification: Uncertain significance. Last evaluated: 2025-09-01. Review status: criteria provided, single submitter. Criteria: CeGaT Center For Human Genetics Tuebingen Variant Classification Criteria Version 2. Collection method: clinical testing. Allele origin: germline. Affected: yes. Observed: 1 variant allele.
Comment: RNF213: PM2, BP4